The following is an entry in ClinVar:

ClinVar aggregate classification (germline): Uncertain significance. Review status: criteria provided, multiple submitters, no conflicts (2 of 4 stars). 2 submissions from 2 submitters: Uncertain significance (2). Last evaluated 2023-12-26.

Conditions:
Cardiovascular phenotype. Identifiers: MedGen CN230736.
Hypertrophic cardiomyopathy. Also called: HYPERTROPHIC MYOCARDIOPATHY. Identifiers: Orphanet 217569, MedGen C0007194, MeSH D002312, MONDO:0005045, HP:0001639.

Submissions (2):

Ambry Genetics
Classification: Uncertain significance for Cardiovascular phenotype. Last evaluated: 2023-12-26. Review status: criteria provided, single submitter. Criteria: Ambry Variant Classification Scheme 2023. Collection method: clinical testing. Allele origin: germline.

Labcorp Genetics (formerly Invitae), Labcorp
Classification: Uncertain significance for Hypertrophic cardiomyopathy. Last evaluated: 2021-12-18. Review status: criteria provided, single submitter. Criteria: Invitae Variant Classification Sherloc (09022015). Collection method: clinical testing. Allele origin: germline.
Comment: In summary, the available evidence is currently insufficient to determine the role of this variant in disease. Therefore, it has been classified as a Variant of Uncertain Significance. Algorithms developed to predict the effect of missense changes on protein structure and function output the following: SIFT: "Tolerated"; PolyPhen-2: "Benign"; Align-GVGD: "Class C0". The serine amino acid residue is found in multiple mammalian species, which suggests that this missense change does not adversely affect protein function. This variant has not been reported in the literature in individuals affected with MYOZ2-related conditions. This variant is not present in population databases (gnomAD no frequency). This sequence change replaces glycine, which is neutral and non-polar, with serine, which is neutral and polar, at codon 99 of the MYOZ2 protein (p.Gly99Ser).

NM_016599.5(MYOZ2):c.295G>A (p.Gly99Ser)

Gene: MYOZ2 (myozenin 2; plus strand). Cytogenetic location: 4q26.
Variant type: single nucleotide variant.
Coding change: c.295G>A on transcript NM_016599.5 (MANE Select); coding-DNA position 295, G replaced by A.
Protein change: p.Gly99Ser; replaces glycine 99 with serine.
Molecular consequence: missense variant.
Genome position (GRCh38, 1-based): chr4:119,158,070, G>A. VCF-style: chr4-119158070-G-A. GRCh37 (hg19) VCF-style: chr4-120079225-G-A.
Other names: short protein forms G99S.
Identifiers: ClinVar variation 2168619 (VCV002168619.6), dbSNP rs2529770609, ClinGen allele CA358203889.
Genomic context (GRCh38, chr4:119,158,070, plus strand): 5'-GATTAAATACAGCACAGTATTGCTATGCAGAATGGGAAAGTGGATGGAAGTAACTTGGAA[G>A]GTGGTTCGCAGCAAGCCCCCTTGACTCCTCCCAACACCCCAGATCCACGAAGCCCTCCAA-3'
Protein context (NP_057683.1, residues 89-109): NGKVDGSNLE[Gly99Ser]GSQQAPLTPP